The following is an entry in ClinVar:

NM_025000.4(DCAF17):c.*3112C>G

Gene: DCAF17 (DDB1 and CUL4 associated factor 17; plus strand). Cytogenetic location: 2q31.1.
Variant type: single nucleotide variant.
Coding change: c.*3112C>G on transcript NM_025000.4 (MANE Select); 3112 bases downstream of the stop codon, C replaced by G.
Molecular consequence: 3 prime UTR variant. On other transcripts: non-coding transcript variant (1).
Genome position (GRCh38, 1-based): chr2:171,484,226, C>G. VCF-style: chr2-171484226-C-G. GRCh37 (hg19) VCF-style: chr2-172340736-C-G.
Other names: c.*3112C>G (NM_001164821.2).
Identifiers: ClinVar variation 332311 (VCV000332311.6), dbSNP rs17221367, ClinGen allele CA1965142.

ClinVar aggregate classification (germline): Benign. Review status: criteria provided, multiple submitters, no conflicts (2 of 4 stars). 2 submissions from 2 submitters: Benign (2). Last evaluated 2018-01-13.

Conditions:
Woodhouse-Sakati syndrome. Also called: Hypogonadism, Alopecia, Diabetes Mellitus, Mental Retardation, and Extrapyramidal Syndrome; Hypogonadism, diabetes mellitus, alopecia, mental retardation and electrocardiographic abnormalities; EXTRAPYRAMIDAL DISORDER, PROGRESSIVE, WITH PRIMARY HYPOGONADISM, MENTAL RETARDATION, AND ALOPECIA. Identifiers: Orphanet 3464, MedGen C0342286, MONDO:0009419, OMIM 241080.

Allele frequency attached by ClinVar (database versions not stated): gnomAD exomes 0.22692 and 0.23474; gnomAD 0.20197 and 0.19832; ExAC 0.26482; TOPMed 0.20130; 1000 Genomes Project 0.20647; 1000 Genomes Project 30x 0.21065.
gnomAD v4.1: 97,971 of 449,012 alleles (22%); highest among the groups gnomAD compares: Admixed American, 31%; 11,475 homozygotes.

Submissions (2):

Illumina Laboratory Services, Illumina
Classification: Benign for Woodhouse-Sakati syndrome. Last evaluated: 2018-01-13. Review status: criteria provided, single submitter. Criteria: ICSL Variant Classification Criteria 13 December 2019. Collection method: clinical testing. Allele origin: germline.
Comment: This variant was observed in the ICSL laboratory as part of a predisposition screen in an ostensibly healthy population. It had not been previously curated by ICSL or reported in the Human Gene Mutation Database (HGMD: prior to June 1st, 2018), and was therefore a candidate for classification through an automated scoring system. Utilizing variant allele frequency, disease prevalence and penetrance estimates, and inheritance mode, an automated score was calculated to assess if this variant is too frequent to cause the disease. Based on the score and internal cut-off values, a variant classified as benign is not then subjected to further curation. The score for this variant resulted in a classification of benign for this disease.

Breakthrough Genomics
Classification: Benign. Review status: criteria provided, single submitter. Criteria: ACMG Guidelines, 2015. Collection method: not provided. Allele origin: germline. Inheritance: Autosomal recessive inheritance. Affected: yes.